The following is an entry in ClinVar:

ClinVar aggregate classification (germline): Uncertain significance. Review status: criteria provided, multiple submitters, no conflicts (2 of 4 stars). 3 submissions from 3 submitters: Uncertain significance (3). Last evaluated 2025-05-27.

Conditions:
Hereditary cancer-predisposing syndrome. Also called: Tumor predisposition; Hereditary Cancer Syndrome; Neoplastic Syndromes, Hereditary; Hereditary neoplastic syndrome. Identifiers: Orphanet 140162, MedGen C0027672, MeSH D009386, MONDO:0015356.

Allele frequency attached by ClinVar (database versions not stated): gnomAD 0.00002; TOPMed 0.00002.

Submissions (3):

Ambry Genetics
Classification: Uncertain significance for Hereditary cancer-predisposing syndrome. Last evaluated: 2025-05-27. Review status: criteria provided, single submitter. Criteria: Ambry Variant Classification Scheme 2023. Collection method: clinical testing. Allele origin: germline.
Comment: The p.C90Y variant (also known as c.269G>A), located in coding exon 1 of the HOXB13 gene, results from a G to A substitution at nucleotide position 269. The cysteine at codon 90 is replaced by tyrosine, an amino acid with highly dissimilar properties. This amino acid position is highly conserved in available vertebrate species. In addition, this alteration is predicted to be deleterious by in silico analysis. Since supporting evidence is limited at this time, the clinical significance of this alteration remains unclear.

Labcorp Genetics (formerly Invitae), Labcorp
Classification: Uncertain significance. Last evaluated: 2024-10-29. Review status: criteria provided, single submitter. Criteria: Invitae Variant Classification Sherloc (09022015). Collection method: clinical testing. Allele origin: germline.
Comment: This sequence change replaces cysteine, which is neutral and slightly polar, with tyrosine, which is neutral and polar, at codon 90 of the HOXB13 protein (p.Cys90Tyr). This variant is not present in population databases (gnomAD no frequency). This variant has not been reported in the literature in individuals affected with HOXB13-related conditions. ClinVar contains an entry for this variant (Variation ID: 821687). Invitae Evidence Modeling of protein sequence and biophysical properties (such as structural, functional, and spatial information, amino acid conservation, physicochemical variation, residue mobility, and thermodynamic stability) indicates that this missense variant is not expected to disrupt HOXB13 protein function with a negative predictive value of 80%. In summary, the available evidence is currently insufficient to determine the role of this variant in disease. Therefore, it has been classified as a Variant of Uncertain Significance.

GeneDx
Classification: Uncertain significance. Last evaluated: 2024-04-15. Review status: criteria provided, single submitter. Criteria: GeneDx Variant Classification Process June 2021. Collection method: clinical testing. Allele origin: germline. Affected: yes.
Comment: Not observed at significant frequency in large population cohorts (gnomAD); In silico analysis supports that this missense variant has a deleterious effect on protein structure/function; Has not been previously published as pathogenic or benign to our knowledge; This variant is associated with the following publications: (PMID: 15617687)

NM_006361.6(HOXB13):c.269G>A (p.Cys90Tyr)

Gene: HOXB13 (homeobox B13; minus strand). Cytogenetic location: 17q21.32.
Variant type: single nucleotide variant.
Coding change: c.269G>A on transcript NM_006361.6 (MANE Select); coding-DNA position 269, G replaced by A.
Protein change: p.Cys90Tyr; replaces cysteine 90 with tyrosine.
Molecular consequence: missense variant.
Genome position (GRCh38, 1-based): chr17:48,728,325, C>T on the plus strand (G>A on the coding strand, the complement: HOXB13 is on the minus strand). VCF-style: chr17-48728325-C-T. GRCh37 (hg19) VCF-style: chr17-46805687-C-T.
Other names: short protein forms C90Y.
Identifiers: ClinVar variation 821687 (VCV000821687.16), dbSNP rs1483386367, ClinGen allele CA400107798.